The following is an entry in ClinVar:

ClinVar aggregate classification (germline): Uncertain significance (1 of 4 stars; one submission).

Conditions:
Hereditary spastic paraplegia 31. Also called: SPASTIC PARAPLEGIA 31, AUTOSOMAL DOMINANT. Identifiers: Orphanet 101011, MedGen C1853247, MONDO:0012453, OMIM 610250.

Submission:

Labcorp Genetics (formerly Invitae), Labcorp
Classification: Uncertain significance for Hereditary spastic paraplegia 31. Last evaluated: 2024-06-12. Review status: criteria provided, single submitter. Criteria: Invitae Variant Classification Sherloc (09022015). Collection method: clinical testing. Allele origin: germline.
Comment: This sequence change falls in intron 1 of the REEP1 gene. It does not directly change the encoded amino acid sequence of the REEP1 protein. It affects a nucleotide within the consensus splice site. This variant is not present in population databases (gnomAD no frequency). This variant has been observed in individual(s) with clinical features of hereditary spastic paraplegia (Invitae). ClinVar contains an entry for this variant (Variation ID: 947396). Variants that disrupt the consensus splice site are a relatively common cause of aberrant splicing (PMID: 17576681, 9536098). Algorithms developed to predict the effect of sequence changes on RNA splicing suggest that this variant may disrupt the consensus splice site. In summary, the available evidence is currently insufficient to determine the role of this variant in disease. Therefore, it has been classified as a Variant of Uncertain Significance.

Literature cited by the submitters: PubMed 17576681; PubMed 9536098.

NM_001371279.1(REEP1):c.32+5G>A

Gene: REEP1 (receptor accessory protein 1; minus strand). Cytogenetic location: 2p11.2.
Variant type: single nucleotide variant.
Coding change: c.32+5G>A on transcript NM_001371279.1 (MANE Select); 5 bases into the intron after coding-DNA position 32, G replaced by A.
Molecular consequence: intron variant.
Genome position (GRCh38, 1-based): chr2:86,337,474, C>T on the plus strand (G>A on the coding strand, the complement: REEP1 is on the minus strand). VCF-style: chr2-86337474-C-T. GRCh37 (hg19) VCF-style: chr2-86564597-C-T.
Other names: c.53+550G>A (NM_001164730.2); c.24+5G>A (NM_001164731.2); c.32+5G>A (NM_001164732.2, NM_001371280.1, NM_022912.3).
Identifiers: ClinVar variation 947396 (VCV000947396.7), dbSNP rs1681105460, ClinGen allele CA1139657152.